The following is an entry in ClinVar:

NM_001267550.2(TTN):c.87904A>G (p.Ile29302Val)

Genes: TTN (titin; minus strand), TTN-AS1 (TTN antisense RNA 1; plus strand). Cytogenetic location: 2q31.2.
Variant type: single nucleotide variant.
Coding change: c.87904A>G on transcript NM_001267550.2 (MANE Select); coding-DNA position 87904, A replaced by G.
Protein change: p.Ile29302Val; replaces isoleucine 29302 with valine.
Molecular consequence: missense variant.
Genome position (GRCh38, 1-based): chr2:178,557,358, T>C on the plus strand (A>G on the coding strand, the complement: TTN is on the minus strand). VCF-style: chr2-178557358-T-C. GRCh37 (hg19) VCF-style: chr2-179422085-T-C.
Other names: c.82981A>G, p.Ile27661Val (NM_001256850.1); c.60709A>G, p.Ile20237Val (NM_003319.4); c.80200A>G, p.Ile26734Val (NM_133378.4); c.61084A>G, p.Ile20362Val (NM_133432.3); c.61285A>G, p.Ile20429Val (NM_133437.4); short protein forms I20237V, I20362V, I20429V, I26734V, I27661V, I29302V.
Identifiers: ClinVar variation 4536921 (VCV004536921.1).

ClinVar aggregate classification (germline): Uncertain significance (1 of 4 stars; one submission).

Submission:

Women's Health and Genetics/Laboratory Corporation of America, LabCorp
Classification: Uncertain significance. Last evaluated: 2025-11-10. Review status: criteria provided, single submitter. Criteria: LabCorp Variant Classification Summary - May 2015. Collection method: clinical testing. Allele origin: germline.
Comment: Variant summary: TTN c.80200A>G (p.Ile26734Val) results in a conservative amino acid change in the encoded protein sequence. Algorithms developed to predict the effect of missense changes on protein structure and function are either unavailable or do not agree on the potential impact of this missense change. The variant was absent in 248830 control chromosomes. The available data on variant occurrences in the general population are insufficient to allow any conclusion about variant significance. To our knowledge, no occurrence of c.80200A>G in individuals affected with TTN-related conditions and no experimental evidence demonstrating its impact on protein function have been reported. No submitters have cited clinical-significance assessments for this variant to ClinVar. Based on the evidence outlined above, the variant was classified as uncertain significance.